The following is an entry in ClinVar:

ClinVar aggregate classification (germline): Uncertain significance (1 of 4 stars; one submission).

Conditions:
Charcot-Marie-Tooth disease type 4. Also called: Charcot-Marie-Tooth disease, type IV; Charcot-Marie-Tooth, Type 4. Identifiers: Orphanet 64749, MedGen C4082197, MONDO:0018995.

Submission:

Labcorp Genetics (formerly Invitae), Labcorp
Classification: Uncertain significance for Charcot-Marie-Tooth disease type 4. Last evaluated: 2023-10-13. Review status: criteria provided, single submitter. Criteria: Invitae Variant Classification Sherloc (09022015). Collection method: clinical testing. Allele origin: germline.
Comment: A copy number gain of the genomic region encompassing the full coding sequence of the FIG4 gene has been identified. The boundaries of this event are unknown as they extend beyond the assayed region for this gene and therefore may encompass additional genes. As the precise location of this event is unknown, it may be in tandem or it may be located elsewhere in the genome. This variant has not been reported in the literature in individuals affected with FIG4-related conditions. In summary, the available evidence is currently insufficient to determine the role of this variant in disease. Therefore, it has been classified as a Variant of Uncertain Significance.

NC_000006.11:g.(?_109690054)_(110266416_?)dup

Genes: AK9 (adenylate kinase 9; minus strand), CD164 (CD164 molecule; minus strand), FIG4 (FIG4 phosphoinositide 5-phosphatase; plus strand), MICAL1 (microtubule associated monooxygenase, calponin and LIM domain containing 1; minus strand), PPIL6 (peptidylprolyl isomerase like 6; minus strand) and 2 more. Cytogenetic location: 6q21.
Variant type: Duplication.
Identifiers: ClinVar variation 2425986 (VCV002425986.2).